The following is an entry in ClinVar:

ClinVar aggregate classification (germline): Likely pathogenic. Review status: criteria provided, multiple submitters, no conflicts (2 of 4 stars). 3 submissions from 3 submitters: Likely pathogenic (3). Last evaluated 2025-04-17.

Conditions:
IFT140-related disorders.
Saldino-Mainzer syndrome (SRTD9). Also called: Renal dysplasia, retinal pigmentary dystrophy, cerebellar ataxia and skeletal dysplasia; SHORT-RIB THORACIC DYSPLASIA 9 WITHOUT POLYDACTYLY; short-rib thoracic dysplasia 9 with or without polydactyly; CONORENAL SYNDROME. Identifiers: Orphanet 140969, MedGen C1849437, MONDO:0009964, OMIM 266920.

gnomAD v4.1: 9 of 1,612,816 alleles (0.00056%); highest among the groups gnomAD compares: Non-Finnish European, 0.00076%; no homozygotes.

Submissions (3):

Labcorp Genetics (formerly Invitae), Labcorp
Classification: Likely pathogenic for Saldino-Mainzer syndrome. Last evaluated: 2025-04-17. Review status: criteria provided, single submitter. Criteria: Invitae Variant Classification Sherloc (09022015). Collection method: clinical testing. Allele origin: germline.
Comment: This sequence change affects a donor splice site in intron 11 of the IFT140 gene. It is expected to disrupt RNA splicing. Variants that disrupt the donor or acceptor splice site typically lead to a loss of protein function (PMID: 16199547), and loss-of-function variants in IFT140 are known to be pathogenic (PMID: 22503633, 23418020, 24009529, 26216056). This variant is not present in population databases (gnomAD no frequency). Disruption of this splice site has been observed in individual(s) with clinical features of IFT140-related conditions (PMID: 34890546). ClinVar contains an entry for this variant (Variation ID: 866079). Algorithms developed to predict the effect of sequence changes on RNA splicing suggest that this variant may disrupt the consensus splice site. In summary, the currently available evidence indicates that the variant is pathogenic, but additional data are needed to prove that conclusively. Therefore, this variant has been classified as Likely Pathogenic.

GeneDx
Classification: Likely pathogenic. Last evaluated: 2025-03-06. Review status: criteria provided, single submitter. Criteria: GeneDx Variant Classification Process June 2021. Collection method: clinical testing. Allele origin: germline. Affected: yes.
Comment: Canonical splice site variant predicted to result in an in-frame loss of the adjacent exon in a gene for which loss of function is a known mechanism of disease; Not observed at significant frequency in large population cohorts (gnomAD); This variant is associated with the following publications: (PMID: 34890546, 39136524)

Blueprint Genetics
Classification: Likely pathogenic for IFT140-related disorders. Last evaluated: 2023-06-20. Review status: criteria provided, single submitter. Criteria: ACMG Guidelines, 2015. Collection method: clinical testing. Allele origin: germline. Affected: yes. Observed: 2 variant alleles.

Literature cited by the submitters: PubMed 16199547 (cited by Labcorp Genetics (formerly Invitae), Labcorp); PubMed 22503633 (cited by Labcorp Genetics (formerly Invitae), Labcorp); PubMed 23418020 (cited by Labcorp Genetics (formerly Invitae), Labcorp); PubMed 24009529 (cited by Labcorp Genetics (formerly Invitae), Labcorp); PubMed 26216056 (cited by Labcorp Genetics (formerly Invitae), Labcorp); PubMed 34890546 (cited by Labcorp Genetics (formerly Invitae), Labcorp).

NM_014714.4(IFT140):c.1359+1G>A

Genes: IFT140 (intraflagellar transport 140; minus strand), LOC105371046 (uncharacterized LOC105371046; plus strand). Cytogenetic location: 16p13.3.
Variant type: single nucleotide variant.
Coding change: c.1359+1G>A on transcript NM_014714.4 (MANE Select); the canonical splice donor site of the intron after coding-DNA position 1359, G replaced by A.
Molecular consequence: splice donor variant.
Genome position (GRCh38, 1-based): chr16:1,584,216, C>T on the plus strand (G>A on the coding strand, the complement: IFT140 is on the minus strand). VCF-style: chr16-1584216-C-T. GRCh37 (hg19) VCF-style: chr16-1634217-C-T.
Identifiers: ClinVar variation 866079 (VCV000866079.6), dbSNP rs2034739931, ClinGen allele CA394214334.